The following is an entry in ClinVar:

NM_002334.4(LRP4):c.1191T>C (p.Asn397=)

Gene: LRP4 (LDL receptor related protein 4; minus strand). Cytogenetic location: 11p11.2.
Variant type: single nucleotide variant.
Coding change: c.1191T>C on transcript NM_002334.4 (MANE Select); coding-DNA position 1191, T replaced by C.
Protein change: p.Asn397=; no amino-acid change (asparagine 397 retained).
Molecular consequence: synonymous variant.
Genome position (GRCh38, 1-based): chr11:46,895,284, A>G on the plus strand (T>C on the coding strand, the complement: LRP4 is on the minus strand). VCF-style: chr11-46895284-A-G. GRCh37 (hg19) VCF-style: chr11-46916835-A-G.
Identifiers: ClinVar variation 467779 (VCV000467779.41), dbSNP rs73458078, ClinGen allele CA5970221.

ClinVar aggregate classification (germline): Benign/Likely benign. Review status: criteria provided, multiple submitters, no conflicts (2 of 4 stars). 5 submissions from 5 submitters: Benign (2); Likely benign (2). 1 of the submissions does not count toward it. Last evaluated 2025-12-29.

Conditions:
LRP4-related disorder. Also called: LRP4-related condition.
Cenani-Lenz syndactyly syndrome. Also called: SYNDACTYLY, TYPE VII; CENANI SYNDACTYLISM. Identifiers: Orphanet 3258, MedGen C1859309, MONDO:0008931, OMIM 212780.
Congenital myasthenic syndrome 17. Identifiers: Orphanet 590, MedGen C4225377, MONDO:0014578, OMIM 616304.
Sclerosteosis 2 (SOST2). Identifiers: Orphanet 3152, MedGen C3280402, MONDO:0013679, OMIM 614305.

Allele frequency attached by ClinVar (database versions not stated): ESP Exome Variant Server 0.00208; gnomAD 0.00212 and 0.00233; TOPMed 0.00246; gnomAD exomes 0.00021 and 0.00056; ExAC 0.00062; 1000 Genomes Project 0.00300; 1000 Genomes Project 30x 0.00312.
gnomAD v4.1: 638 of 1,613,150 alleles (0.04%); highest among the groups gnomAD compares: African/African-American, 0.77%; 1 homozygote.

Submissions (5):

Labcorp Genetics (formerly Invitae), Labcorp
Classification: Benign for Cenani-Lenz syndactyly syndrome; Sclerosteosis 2; Congenital myasthenic syndrome 17. Last evaluated: 2025-12-29. Review status: criteria provided, single submitter. Criteria: Invitae Variant Classification Sherloc (09022015). Collection method: clinical testing. Allele origin: germline.

CeGaT Center for Human Genetics Tuebingen
Classification: Likely benign. Last evaluated: 2022-03-01. Review status: criteria provided, single submitter. Criteria: CeGaT Center For Human Genetics Tuebingen Variant Classification Criteria Version 2. Collection method: clinical testing. Allele origin: germline. Affected: yes. Observed: 1 variant allele.
Comment: LRP4: BP4, BP7

Fulgent Genetics
Classification: Benign for Cenani-Lenz syndactyly syndrome; Sclerosteosis 2; Congenital myasthenic syndrome 17. Last evaluated: 2021-09-01. Review status: criteria provided, single submitter. Criteria: ACMG Guidelines, 2015. Collection method: clinical testing. Allele origin: unknown.

GeneDx
Classification: Likely benign. Last evaluated: 2020-10-09. Review status: criteria provided, single submitter. Criteria: GeneDx Variant Classification Process June 2021. Collection method: clinical testing. Allele origin: germline. Affected: yes.

PreventionGenetics, part of Exact Sciences
Classification: Benign for LRP4-related condition. Last evaluated: 2020-11-24. Review status: no assertion criteria provided. Collection method: clinical testing. Allele origin: germline. Not counted in ClinVar's aggregate classification.
Comment: This variant is classified as benign based on ACMG/AMP sequence variant interpretation guidelines (Richards et al. 2015 PMID: 25741868, with internal and published modifications).